The following is an entry in ClinVar:

ClinVar aggregate classification (germline): Uncertain significance. Review status: criteria provided, multiple submitters, no conflicts (2 of 4 stars). 3 submissions from 3 submitters: Uncertain significance (3). Last evaluated 2026-04-23.

Conditions:
Inborn genetic diseases. Identifiers: MedGen C0950123, MeSH D030342.
Glycine encephalopathy. Also called: Nonketotic hyperglycinemia; Non-ketotic hyperglycinemia. Identifiers: Orphanet 407, MedGen C0751748, MONDO:0011612, HP:0008288.

Allele frequency attached by ClinVar (database versions not stated): ExAC 0.00002; TOPMed 0.00004; ESP Exome Variant Server 0.00008; gnomAD 0.00002; gnomAD exomes 0.00008.
gnomAD v4.1: 122 of 1,613,816 alleles (0.0076%); highest among the groups gnomAD compares: Non-Finnish European, 0.01%; no homozygotes.

Submissions (3):

GeneDx
Classification: Uncertain significance. Last evaluated: 2026-04-23. Review status: criteria provided, single submitter. Criteria: GeneDx Variant Classification Process June 2021. Collection method: clinical testing. Allele origin: germline.
Comment: Not observed at significant frequency in large population cohorts (gnomAD); In silico analysis supports that this missense variant has a deleterious effect on protein structure/function; Has not been previously published as pathogenic or benign to our knowledge

Labcorp Genetics (formerly Invitae), Labcorp
Classification: Uncertain significance for Glycine encephalopathy. Last evaluated: 2022-08-23. Review status: criteria provided, single submitter. Criteria: Invitae Variant Classification Sherloc (09022015). Collection method: clinical testing. Allele origin: germline.
Comment: This sequence change replaces isoleucine, which is neutral and non-polar, with threonine, which is neutral and polar, at codon 834 of the GLDC protein (p.Ile834Thr). This variant is present in population databases (rs370336693, gnomAD 0.004%). This variant has not been reported in the literature in individuals affected with GLDC-related conditions. Advanced modeling of protein sequence and biophysical properties (such as structural, functional, and spatial information, amino acid conservation, physicochemical variation, residue mobility, and thermodynamic stability) performed at Invitae indicates that this missense variant is expected to disrupt GLDC protein function. In summary, the available evidence is currently insufficient to determine the role of this variant in disease. Therefore, it has been classified as a Variant of Uncertain Significance.

Ambry Genetics
Classification: Uncertain significance for Inborn genetic diseases. Last evaluated: 2021-07-23. Review status: criteria provided, single submitter. Criteria: Ambry Variant Classification Scheme 2023. Collection method: clinical testing. Allele origin: germline.

NM_000170.3(GLDC):c.2501T>C (p.Ile834Thr)

Gene: GLDC (glycine decarboxylase; minus strand). Cytogenetic location: 9p24.1.
Variant type: single nucleotide variant.
Coding change: c.2501T>C on transcript NM_000170.3 (MANE Select); coding-DNA position 2501, T replaced by C.
Protein change: p.Ile834Thr; replaces isoleucine 834 with threonine.
Molecular consequence: missense variant.
Genome position (GRCh38, 1-based): chr9:6,550,871, A>G on the plus strand (T>C on the coding strand, the complement: GLDC is on the minus strand). VCF-style: chr9-6550871-A-G. GRCh37 (hg19) VCF-style: chr9-6550871-A-G.
Other names: short protein forms I834T.
Identifiers: ClinVar variation 2153677 (VCV002153677.3), dbSNP rs370336693, ClinGen allele CA4980191.
Genomic context (GRCh38, chr9:6,550,871, plus strand): 5'-CCCCTGAAAAGAATTCTGTAGTGTGTTTCTAATCGCTTGGCCATGTAGTTGGCATTTAAT[A>G]TCGCAGTTTCCGTGGCTTGTTTAAGACCCTTGCCTCCCATCATCTGCAACAAAGGGAAAA-3'
Protein context (NP_000161.2, residues 824-844): KGLKQATETA[Ile834Thr]LNANYMAKRL